The following is an entry in ClinVar:

NM_031935.3(HMCN1):c.4200+6T>C

Gene: HMCN1 (hemicentin 1; plus strand). Cytogenetic location: 1q31.1.
Variant type: single nucleotide variant.
Coding change: c.4200+6T>C on transcript NM_031935.3 (MANE Select); 6 bases into the intron after coding-DNA position 4200, T replaced by C.
Molecular consequence: intron variant.
Genome position (GRCh38, 1-based): chr1:186,001,434, T>C. VCF-style: chr1-186001434-T-C. GRCh37 (hg19) VCF-style: chr1-185970566-T-C.
Identifiers: ClinVar variation 873623 (VCV000873623.10), dbSNP rs759273685, ClinGen allele CA1291931.

ClinVar aggregate classification (germline): Uncertain significance. Review status: criteria provided, multiple submitters, no conflicts (2 of 4 stars). 3 submissions from 3 submitters: Uncertain significance (3). Last evaluated 2025-04-10.

Conditions:
Age related macular degeneration 1 (ARMD1). Also called: MACULOPATHY, AGE-RELATED, 1. Identifiers: MedGen C1864205, MONDO:0011285, OMIM 603075.

Allele frequency attached by ClinVar (database versions not stated): ExAC 0.00001; gnomAD 0.00001; gnomAD exomes 0.00001; TOPMed 0.00001.
gnomAD v4.1: 9 of 1,612,378 alleles (0.00056%); highest among the groups gnomAD compares: African/African-American, 0.0013%; no homozygotes.

Submissions (3):

Labcorp Genetics (formerly Invitae), Labcorp
Classification: Uncertain significance. Last evaluated: 2025-04-10. Review status: criteria provided, single submitter. Criteria: Invitae Variant Classification Sherloc (09022015). Collection method: clinical testing. Allele origin: germline.
Comment: This sequence change falls in intron 27 of the HMCN1 gene. It does not directly change the encoded amino acid sequence of the HMCN1 protein. It affects a nucleotide within the consensus splice site. This variant is present in population databases (rs759273685, gnomAD 0.002%). This variant has not been reported in the literature in individuals affected with HMCN1-related conditions. ClinVar contains an entry for this variant (Variation ID: 873623). Variants that disrupt the consensus splice site are a relatively common cause of aberrant splicing (PMID: 17576681, 9536098). Algorithms developed to predict the effect of sequence changes on RNA splicing suggest that this variant is not likely to affect RNA splicing. In summary, the available evidence is currently insufficient to determine the role of this variant in disease. Therefore, it has been classified as a Variant of Uncertain Significance.

Genome-Nilou Lab
Classification: Uncertain significance for Age related macular degeneration 1. Last evaluated: 2023-04-11. Review status: criteria provided, single submitter. Criteria: ACMG Guidelines, 2015. Collection method: clinical testing. Allele origin: germline. Affected: no.

Illumina Laboratory Services, Illumina
Classification: Uncertain significance for Age related macular degeneration 1. Last evaluated: 2018-01-13. Review status: criteria provided, single submitter. Criteria: ICSL Variant Classification Criteria 13 December 2019. Collection method: clinical testing. Allele origin: germline.

Literature cited by the submitters: PubMed 17576681 (cited by Labcorp Genetics (formerly Invitae), Labcorp); PubMed 9536098 (cited by Labcorp Genetics (formerly Invitae), Labcorp).